The following is an entry in ClinVar:

NC_000009.11:g.(?_79996872)_(80030922_?)del

Gene: VPS13A (vacuolar protein sorting 13 homolog A; plus strand). Cytogenetic location: 9q21.2.
Variant type: Deletion.
Identifiers: ClinVar variation 2427129 (VCV002427129.4).

ClinVar aggregate classification (germline): Pathogenic (1 of 4 stars; one submission).

Submission:

Labcorp Genetics (formerly Invitae), Labcorp
Classification: Pathogenic. Last evaluated: 2023-06-16. Review status: criteria provided, single submitter. Criteria: Invitae Variant Classification Sherloc (09022015). Collection method: clinical testing. Allele origin: germline.
Comment: This variant has not been reported in the literature in individuals affected with VPS13A-related conditions. This variant is a gross deletion of the genomic region encompassing exon(s) 68-72 of the VPS13A gene, which includes the termination codon. This deletion extends beyond the assayed region for this gene and therefore may encompass additional genes. While this deletion is not anticipated to lead to nonsense mediated decay, it is expected to alter mRNA translation or result in a truncated protein product. For these reasons, this variant has been classified as Pathogenic. This variant disrupts a region of the VPS13A protein in which other variant(s) (p.Glu3144Valfs*6) have been determined to be pathogenic (PMID: 12404112, 30713887, 31543803). This suggests that this is a clinically significant region of the protein, and that variants that disrupt it are likely to be disease-causing.

Literature cited by the submitters: PubMed 12404112; PubMed 30713887; PubMed 31543803.